The following is an entry in ClinVar:

ClinVar aggregate classification (germline): Uncertain significance (1 of 4 stars; one submission).

Conditions:
Focal segmental glomerulosclerosis 5 (FSGS5). Identifiers: Orphanet 656, MedGen C2750475, MONDO:0013191, OMIM 613237.
Charcot-Marie-Tooth disease dominant intermediate E. Also called: CHARCOT-MARIE-TOOTH NEUROPATHY WITH FOCAL SEGMENTAL GLOMERULONEPHRITIS. Identifiers: Orphanet 93114, MedGen C4302667, MONDO:0013758, OMIM 614455.

Allele frequency attached by ClinVar (database versions not stated): gnomAD exomes 0.00001; ExAC 0.00003.
gnomAD v4.1: 8 of 1,601,406 alleles (0.0005%); highest among the groups gnomAD compares: Non-Finnish European, 0.0006%; no homozygotes.

Submission:

Labcorp Genetics (formerly Invitae), Labcorp
Classification: Uncertain significance for Charcot-Marie-Tooth disease dominant intermediate E; Focal segmental glomerulosclerosis 5. Last evaluated: 2019-02-19. Review status: criteria provided, single submitter. Criteria: Invitae Variant Classification Sherloc (09022015). Collection method: clinical testing. Allele origin: germline.
Comment: In summary, the available evidence is currently insufficient to determine the role of this variant in disease. Therefore, it has been classified as a Variant of Uncertain Significance. This variant has not been reported in the literature in individuals with INF2-related conditions. This variant is present in population databases (rs774280485, ExAC 0.006%). This sequence change replaces serine with threonine at codon 772 of the INF2 protein (p.Ser772Thr). The serine residue is highly conserved and there is a small physicochemical difference between serine and threonine.

NM_022489.4(INF2):c.2315G>C (p.Ser772Thr)

Gene: INF2 (inverted formin 2; plus strand). Cytogenetic location: 14q32.33.
Variant type: single nucleotide variant.
Coding change: c.2315G>C on transcript NM_022489.4 (MANE Select); coding-DNA position 2315, G replaced by C.
Protein change: p.Ser772Thr; replaces serine 772 with threonine.
Molecular consequence: missense variant.
Genome position (GRCh38, 1-based): chr14:104,711,083, G>C. VCF-style: chr14-104711083-G-C. GRCh37 (hg19) VCF-style: chr14-105177420-G-C.
Other names: c.2315G>C, p.Ser772Thr (NM_001031714.4); short protein forms S772T.
Identifiers: ClinVar variation 855916 (VCV000855916.9), dbSNP rs774280485, ClinGen allele CA7372892.
Genomic context (GRCh38, chr14:104,711,083, plus strand): 5'-CTCCCCATCCCACCTGGTGCCAGGGGCTGGTGAGACTCACTCCCTGCCCCTCCCAGGGCA[G>C]CCACACCGGTGACGCCGACGGCTTCAAGATCAGCACATTGCTGAAGCTCACGGAGACCAA-3'
Protein context (NP_071934.3, residues 762-782): LRIGNFLNYG[Ser772Thr]HTGDADGFKI